The following is an entry in ClinVar:

NC_000023.10:g.(?_135080247)_(135084392_?)dup

Gene: SLC9A6 (solute carrier family 9 member A6; plus strand). Cytogenetic location: Xq26.3.
Variant type: Duplication.
Identifiers: ClinVar variation 3245253 (VCV003245253.1).

ClinVar aggregate classification (germline): Likely pathogenic (1 of 4 stars; one submission).

Conditions:
Christianson syndrome (MRXSCH). Also called: X-linked mental retardation, syndromic, Christianson type; SLC9A6-Related Syndromic Mental Retardation; INTELLECTUAL DEVELOPMENTAL DISORDER, X-LINKED, SYNDROMIC, CHRISTIANSON TYPE. Identifiers: Orphanet 85278, MedGen C2678194, MONDO:0010278, OMIM 300243.

Submission:

Labcorp Genetics (formerly Invitae), Labcorp
Classification: Likely pathogenic for Christianson syndrome. Last evaluated: 2023-04-25. Review status: criteria provided, single submitter. Criteria: Invitae Variant Classification Sherloc (09022015). Collection method: clinical testing. Allele origin: unknown.
Comment: In summary, the currently available evidence indicates that the variant is pathogenic, but additional data are needed to prove that conclusively. Therefore, this variant has been classified as Likely Pathogenic. This variant has not been reported in the literature in individuals affected with SLC9A6-related conditions. This variant results in a copy number gain of the genomic region encompassing exon(s) 3-6 of the SLC9A6 gene. While the exact position of this variant cannot be determined from the data, sub-genic copy number gains are generally in tandem (PMID: 25640679). This variant is predicted to be out-of-frame, and may result in an absent or disrupted protein product. Loss-of-function variants in SLC9A6 are known to be pathogenic (PMID: 18342287).

Literature cited by the submitters: PubMed 25640679; PubMed 18342287.